The following is an entry in ClinVar:

NM_001397406.1(FDX2):c.45A>G (p.Leu15=)

Genes: FDX2 (ferredoxin 2; minus strand), FDX2-ZGLP1 (FDX2-ZGLP1 readthrough (NMD candidate); minus strand). Cytogenetic location: 19p13.2.
Variant type: single nucleotide variant.
Coding change: c.45A>G on transcript NM_001397406.1 (MANE Select); coding-DNA position 45, A replaced by G.
Protein change: p.Leu15=; no amino-acid change (leucine 15 retained).
Molecular consequence: synonymous variant. On other transcripts: non-coding transcript variant (2).
Genome position (GRCh38, 1-based): chr19:10,315,952, T>C on the plus strand (A>G on the coding strand, the complement: FDX2 is on the minus strand). VCF-style: chr19-10315952-T-C. GRCh37 (hg19) VCF-style: chr19-10426628-T-C.
Other names: p.Leu18=; c.54A>G, p.Leu18= (NM_001031734.4).
Identifiers: ClinVar variation 380037 (VCV000380037.15), dbSNP rs395782, ClinGen allele CA9191365.

ClinVar aggregate classification (germline): Benign. Review status: criteria provided, multiple submitters, no conflicts (2 of 4 stars). 6 submissions from 6 submitters: Benign (6). Last evaluated 2026-02-04.

Conditions:
Mitochondrial myopathy, episodic, with optic atrophy and reversible leukoencephalopathy. Also called: MITOCHONDRIAL MYOPATHY, EPISODIC, WITH OR WITHOUT OPTIC ATROPHY AND REVERSIBLE LEUKOENCEPHALOPATHY; MULTIPLE MITOCHONDRIAL DYSFUNCTIONS SYNDROME 8. Identifiers: MedGen C5193223, MONDO:0020714, OMIM 251900.

Allele frequency attached by ClinVar (database versions not stated): gnomAD exomes 0.47956 and 0.48629; ExAC 0.48937; 1000 Genomes Project 0.49281; 1000 Genomes Project 30x 0.49344; ESP Exome Variant Server 0.51362; TOPMed 0.51575; gnomAD 0.52097 and 0.52486.
gnomAD v4.1: 772,840 of 1,599,400 alleles (48%); highest among the groups gnomAD compares: African/African-American, 61%; 187,573 homozygotes.

Submissions (6):

Labcorp Genetics (formerly Invitae), Labcorp
Classification: Benign. Last evaluated: 2026-02-04. Review status: criteria provided, single submitter. Criteria: Invitae Variant Classification Sherloc (09022015). Collection method: clinical testing. Allele origin: germline.

Blueprint Genetics
Classification: Benign. Last evaluated: 2024-11-28. Review status: criteria provided, single submitter. Criteria: ACMG Guidelines, 2015. Collection method: clinical testing. Allele origin: germline.

Mayo Clinic Laboratories, Mayo Clinic
Classification: Benign. Last evaluated: 2022-10-27. Review status: criteria provided, single submitter. Criteria: ACMG Guidelines, 2015. Collection method: clinical testing. Allele origin: germline. Observed: 625 variant alleles.

Genome-Nilou Lab
Classification: Benign for Mitochondrial myopathy, episodic, with optic atrophy and reversible leukoencephalopathy. Last evaluated: 2021-08-10. Review status: criteria provided, single submitter. Criteria: ACMG Guidelines, 2015. Collection method: clinical testing. Allele origin: germline. Affected: no.

GeneDx
Classification: Benign. Last evaluated: 2015-12-04. Review status: criteria provided, single submitter. Criteria: GeneDx Variant Classification (06012015). Collection method: clinical testing. Allele origin: germline. Affected: yes.
Comment: This variant is considered likely benign or benign based on one or more of the following criteria: it is a conservative change, it occurs at a poorly conserved position in the protein, it is predicted to be benign by multiple in silico algorithms, and/or has population frequency not consistent with disease.

Breakthrough Genomics
Classification: Benign. Review status: criteria provided, single submitter. Criteria: ACMG Guidelines, 2015. Collection method: not provided. Allele origin: germline. Inheritance: Autosomal recessive inheritance. Affected: yes.